The following is an entry in ClinVar:

NM_001282717.2(STAG3):c.1717_1718del (p.Arg573fs)

Genes: STAG3 (STAG3 cohesin complex component; plus strand), LOC129998914 (ATAC-STARR-seq lymphoblastoid active region 26345; plus strand). Cytogenetic location: 7q22.1.
Variant type: Deletion.
Coding change: c.1717_1718del on transcript NM_001282717.2 (MANE Select); coding-DNA positions 1717 to 1718, 2 bases deleted (AG; older notation c.1717_1718delAG).
Protein change: p.Arg573fs; shifts the reading frame from arginine 573.
Molecular consequence: frameshift variant.
Genome position (GRCh38, 1-based): chr7:100,200,275-100,200,276, AG deleted. VCF-style (leftmost placement, unchanged base first): chr7-100200274-CAG-C. GRCh37 (hg19) VCF-style: chr7-99797897-CAG-C.
Other names: c.1717_1718del, p.Arg573fs (NM_001282716.1, NM_001375438.1, NM_012447.4); c.1543_1544del, p.Arg515fs (NM_001282718.2); short protein forms R515fs, R573fs.
Identifiers: ClinVar variation 4873365 (VCV004873365.2).

ClinVar aggregate classification (germline): Likely pathogenic (1 of 4 stars; one submission).

Submission:

CeGaT Center for Human Genetics Tuebingen
Classification: Likely pathogenic. Last evaluated: 2026-04-01. Review status: criteria provided, single submitter. Criteria: CeGaT Center For Human Genetics Tuebingen Variant Classification Criteria Version 2. Collection method: clinical testing. Allele origin: germline. Affected: yes. Observed: 1 variant allele.
Comment: STAG3: PVS1:Strong, PM2